The following is an entry in ClinVar:

ClinVar aggregate classification (germline): Uncertain significance (1 of 4 stars; one submission).

Submission:

GeneDx
Classification: Uncertain significance. Last evaluated: 2024-10-29. Review status: criteria provided, single submitter. Criteria: GeneDx Variant Classification Process June 2021. Collection method: clinical testing. Allele origin: germline. Affected: yes.
Comment: In silico analysis indicates that this missense variant does not alter protein structure/function; Has not been previously published as pathogenic or benign to our knowledge

NM_001204077.2(UBE4A):c.398A>G (p.Asn133Ser)

Gene: UBE4A (ubiquitination factor E4A; plus strand). Cytogenetic location: 11q23.3.
Variant type: single nucleotide variant.
Coding change: c.398A>G on transcript NM_001204077.2 (MANE Select); coding-DNA position 398, A replaced by G.
Protein change: p.Asn133Ser; replaces asparagine 133 with serine.
Molecular consequence: missense variant.
Genome position (GRCh38, 1-based): chr11:118,369,525, A>G. VCF-style: chr11-118369525-A-G. GRCh37 (hg19) VCF-style: chr11-118240240-A-G.
Other names: c.398A>G, p.Asn133Ser (NM_004788.4); short protein forms N133S.
Identifiers: ClinVar variation 3897400 (VCV003897400.1).